The following is an entry in ClinVar:

NM_000254.3(MTR):c.*4648G>A

Gene: MTR (5-methyltetrahydrofolate-homocysteine methyltransferase; plus strand). Cytogenetic location: 1q43.
Variant type: single nucleotide variant.
Coding change: c.*4648G>A on transcript NM_000254.3 (MANE Select); 4648 bases downstream of the stop codon, G replaced by A.
Molecular consequence: 3 prime UTR variant.
Genome position (GRCh38, 1-based): chr1:236,902,292, G>A. VCF-style: chr1-236902292-G-A. GRCh37 (hg19) VCF-style: chr1-237065592-G-A.
Other names: c.*4648G>A (NM_001291939.1, NM_001291940.2).
Identifiers: ClinVar variation 296674 (VCV000296674.5), dbSNP rs142399284, ClinGen allele CA10609713.

ClinVar aggregate classification (germline): Benign (1 of 4 stars; one submission).

Conditions:
Disorders of Intracellular Cobalamin Metabolism. Identifiers: MedGen CN043592.

Allele frequency attached by ClinVar (database versions not stated): gnomAD 0.00416 and 0.00445; TOPMed 0.00489; 1000 Genomes Project 0.00499; 1000 Genomes Project 30x 0.00547.

Submission:

Illumina Laboratory Services, Illumina
Classification: Benign for Disorders of Intracellular Cobalamin Metabolism. Last evaluated: 2018-01-13. Review status: criteria provided, single submitter. Criteria: ICSL Variant Classification Criteria 13 December 2019. Collection method: clinical testing. Allele origin: germline.
Comment: This variant was observed in the ICSL laboratory as part of a predisposition screen in an ostensibly healthy population. It had not been previously curated by ICSL or reported in the Human Gene Mutation Database (HGMD: prior to June 1st, 2018), and was therefore a candidate for classification through an automated scoring system. Utilizing variant allele frequency, disease prevalence and penetrance estimates, and inheritance mode, an automated score was calculated to assess if this variant is too frequent to cause the disease. Based on the score and internal cut-off values, a variant classified as benign is not then subjected to further curation. The score for this variant resulted in a classification of benign for this disease.